The following is an entry in ClinVar:

NM_032119.4(ADGRV1):c.10916C>G (p.Ser3639Cys)

Gene: ADGRV1 (adhesion G protein-coupled receptor V1; plus strand). Cytogenetic location: 5q14.3.
Variant type: single nucleotide variant.
Coding change: c.10916C>G on transcript NM_032119.4 (MANE Select); coding-DNA position 10916, C replaced by G.
Protein change: p.Ser3639Cys; replaces serine 3639 with cysteine.
Molecular consequence: missense variant. On other transcripts: non-coding transcript variant (1).
Genome position (GRCh38, 1-based): chr5:90,745,737, C>G. VCF-style: chr5-90745737-C-G. GRCh37 (hg19) VCF-style: chr5-90041554-C-G.
Other names: short protein forms S3639C.
Identifiers: ClinVar variation 1477403 (VCV001477403.8), dbSNP rs2149917435, ClinGen allele CA360409460.

ClinVar aggregate classification (germline): Uncertain significance (1 of 4 stars; one submission).

Submission:

Labcorp Genetics (formerly Invitae), Labcorp
Classification: Uncertain significance. Last evaluated: 2021-02-19. Review status: criteria provided, single submitter. Criteria: Invitae Variant Classification Sherloc (09022015). Collection method: clinical testing. Allele origin: germline.
Comment: In summary, the available evidence is currently insufficient to determine the role of this variant in disease. Therefore, it has been classified as a Variant of Uncertain Significance. Algorithms developed to predict the effect of missense changes on protein structure and function (SIFT, PolyPhen-2, Align-GVGD) all suggest that this variant is likely to be tolerated, but these predictions have not been confirmed by published functional studies and their clinical significance is uncertain. This sequence change replaces serine with cysteine at codon 3639 of the ADGRV1 protein (p.Ser3639Cys). The serine residue is weakly conserved and there is a moderate physicochemical difference between serine and cysteine. This variant is not present in population databases (ExAC no frequency). This variant has not been reported in the literature in individuals with ADGRV1-related conditions.